The following is an entry in ClinVar:

ClinVar aggregate classification (germline): Uncertain significance (1 of 4 stars; one submission).

Allele frequency attached by ClinVar (database versions not stated): TOPMed 0.00001.
gnomAD v4.1: 7 of 1,594,214 alleles (0.00044%); highest among the groups gnomAD compares: Non-Finnish European, 0.00051%; no homozygotes.

Submission:

Labcorp Genetics (formerly Invitae), Labcorp
Classification: Uncertain significance. Last evaluated: 2023-09-30. Review status: criteria provided, single submitter. Criteria: Invitae Variant Classification Sherloc (09022015). Collection method: clinical testing. Allele origin: germline.
Comment: This sequence change replaces glycine, which is neutral and non-polar, with valine, which is neutral and non-polar, at codon 900 of the CACNA1E protein (p.Gly900Val). This variant is present in population databases (no rsID available, gnomAD 0.001%). This variant has not been reported in the literature in individuals affected with CACNA1E-related conditions. ClinVar contains an entry for this variant (Variation ID: 1956035). Advanced modeling of protein sequence and biophysical properties (such as structural, functional, and spatial information, amino acid conservation, physicochemical variation, residue mobility, and thermodynamic stability) performed at Invitae indicates that this missense variant is not expected to disrupt CACNA1E protein function. In summary, the available evidence is currently insufficient to determine the role of this variant in disease. Therefore, it has been classified as a Variant of Uncertain Significance.

NM_001205293.3(CACNA1E):c.2699G>T (p.Gly900Val)

Gene: CACNA1E (calcium voltage-gated channel subunit alpha1 E; plus strand). Cytogenetic location: 1q25.3.
Variant type: single nucleotide variant.
Coding change: c.2699G>T on transcript NM_001205293.3 (MANE Select); coding-DNA position 2699, G replaced by T.
Protein change: p.Gly900Val; replaces glycine 900 with valine.
Molecular consequence: missense variant.
Genome position (GRCh38, 1-based): chr1:181,732,785, G>T. VCF-style: chr1-181732785-G-T. GRCh37 (hg19) VCF-style: chr1-181701921-G-T.
Other names: c.2699G>T, p.Gly900Val (NM_000721.4); c.2642G>T, p.Gly881Val (NM_001205294.2); short protein forms G881V, G900V.
Identifiers: ClinVar variation 1956035 (VCV001956035.5), dbSNP rs752660333, ClinGen allele CA343618622.